The following is an entry in ClinVar:

ClinVar aggregate classification (germline): Uncertain significance. Review status: criteria provided, multiple submitters, no conflicts (2 of 4 stars). 2 submissions from 2 submitters: Uncertain significance (2). Last evaluated 2026-05-28.

Conditions:
Inborn genetic diseases. Identifiers: MedGen C0950123, MeSH D030342.

Submissions (2):

Ambry Genetics
Classification: Uncertain significance for Inborn genetic diseases. Last evaluated: 2026-05-28. Review status: criteria provided, single submitter. Criteria: Ambry Variant Classification Scheme 2023. Collection method: clinical testing. Allele origin: germline.
Comment: The p.H1227Y variant (also known as c.3679C>T), located in coding exon 1 of the SAMD9L gene, results from a C to T substitution at nucleotide position 3679. The histidine at codon 1227 is replaced by tyrosine, an amino acid with similar properties. This amino acid position is conserved. In addition, this alteration is predicted to be tolerated by in silico analysis. Based on the available evidence, the clinical significance of this variant remains unclear.

Labcorp Genetics (formerly Invitae), Labcorp
Classification: Uncertain significance. Last evaluated: 2024-12-29. Review status: criteria provided, single submitter. Criteria: Invitae Variant Classification Sherloc (09022015). Collection method: clinical testing. Allele origin: germline.
Comment: This sequence change replaces histidine, which is basic and polar, with tyrosine, which is neutral and polar, at codon 1227 of the SAMD9L protein (p.His1227Tyr). This variant is present in population databases (no rsID available, gnomAD 0.003%). This variant has not been reported in the literature in individuals affected with SAMD9L-related conditions. Invitae Evidence Modeling of protein sequence and biophysical properties (such as structural, functional, and spatial information, amino acid conservation, physicochemical variation, residue mobility, and thermodynamic stability) indicates that this missense variant is not expected to disrupt SAMD9L protein function with a negative predictive value of 80%. In summary, the available evidence is currently insufficient to determine the role of this variant in disease. Therefore, it has been classified as a Variant of Uncertain Significance.

NM_152703.5(SAMD9L):c.3679C>T (p.His1227Tyr)

Gene: SAMD9L (sterile alpha motif domain containing 9 like; minus strand). Cytogenetic location: 7q21.2.
Variant type: single nucleotide variant.
Coding change: c.3679C>T on transcript NM_152703.5 (MANE Select); coding-DNA position 3679, C replaced by T.
Protein change: p.His1227Tyr; replaces histidine 1227 with tyrosine.
Molecular consequence: missense variant.
Genome position (GRCh38, 1-based): chr7:93,132,293, G>A on the plus strand (C>T on the coding strand, the complement: SAMD9L is on the minus strand). VCF-style: chr7-93132293-G-A. GRCh37 (hg19) VCF-style: chr7-92761606-G-A.
Other names: c.3679C>T (NM_152703.2); c.3679C>T, p.His1227Tyr (NM_001303497.3, NM_001303498.3, NM_001303500.3 and 5 more transcripts); short protein forms H1227Y.
Identifiers: ClinVar variation 3680870 (VCV003680870.3).
Genomic context (GRCh38, chr7:93,132,293, plus strand): 5'-AACATTCATTTCTGGGATCAGGAGGAATGGTCCACTTTCCTGATAAAAATTGCACCATAT[G>A]TTTTTTGGATAATTCATTTTCTTTGTGGAAAAAGGGAGTGAGCTGAAGAATCTGGATAGT-3'
Protein context (NP_689916.2, residues 1217-1237): FHKENELSKK[His1227Tyr]MVQFLSGKWT